The following is an entry in ClinVar:

ClinVar aggregate classification (germline): Uncertain significance. Review status: criteria provided, multiple submitters, no conflicts (2 of 4 stars). 2 submissions from 2 submitters: Uncertain significance (2). Last evaluated 2025-05-13.

Conditions:
Hereditary cancer-predisposing syndrome. Also called: Hereditary Cancer Syndrome; Hereditary neoplastic syndrome; Neoplastic Syndromes, Hereditary; Tumor predisposition. Identifiers: Orphanet 140162, MedGen C0027672, MeSH D009386, MONDO:0015356.

Submissions (2):

Labcorp Genetics (formerly Invitae), Labcorp
Classification: Uncertain significance. Last evaluated: 2025-05-13. Review status: criteria provided, single submitter. Criteria: Invitae Variant Classification Sherloc (09022015). Collection method: clinical testing. Allele origin: germline.
Comment: This sequence change replaces valine, which is neutral and non-polar, with methionine, which is neutral and non-polar, at codon 523 of the CTNNA1 protein (p.Val523Met). This variant is not present in population databases (gnomAD no frequency). This variant has not been reported in the literature in individuals affected with CTNNA1-related conditions. ClinVar contains an entry for this variant (Variation ID: 1775399). Invitae Evidence Modeling of protein sequence and biophysical properties (such as structural, functional, and spatial information, amino acid conservation, physicochemical variation, residue mobility, and thermodynamic stability) indicates that this missense variant is not expected to disrupt CTNNA1 protein function with a negative predictive value of 80%. In summary, the available evidence is currently insufficient to determine the role of this variant in disease. Therefore, it has been classified as a Variant of Uncertain Significance.

Ambry Genetics
Classification: Uncertain significance for Hereditary cancer-predisposing syndrome. Last evaluated: 2024-08-13. Review status: criteria provided, single submitter. Criteria: Ambry Variant Classification Scheme 2023. Collection method: clinical testing. Allele origin: germline.
Comment: The p.V523M variant (also known as c.1567G>A), located in coding exon 11 of the CTNNA1 gene, results from a G to A substitution at nucleotide position 1567. The valine at codon 523 is replaced by methionine, an amino acid with highly similar properties. This amino acid position is conserved. In addition, the in silico prediction for this alteration is inconclusive. The evidence for this gene-disease relationship is limited; therefore, the clinical significance of this alteration is unclear.

NM_001903.5(CTNNA1):c.1567G>A (p.Val523Met)

Gene: CTNNA1 (catenin alpha 1; plus strand). Cytogenetic location: 5q31.2.
Variant type: single nucleotide variant.
Coding change: c.1567G>A on transcript NM_001903.5 (MANE Select); coding-DNA position 1567, G replaced by A.
Protein change: p.Val523Met; replaces valine 523 with methionine.
Molecular consequence: missense variant.
Genome position (GRCh38, 1-based): chr5:138,924,530, G>A. VCF-style: chr5-138924530-G-A. GRCh37 (hg19) VCF-style: chr5-138260219-G-A.
Other names: c.1567G>A, p.Val523Met (NM_001290307.3, NM_001323982.2, NM_001323983.1 and 2 more transcripts); c.1258G>A, p.Val420Met (NM_001290309.3); c.1198G>A, p.Val400Met (NM_001290310.3); c.457G>A, p.Val153Met (NM_001290312.1, NM_001323987.1, NM_001323988.1 and 17 more transcripts); c.1474G>A, p.Val492Met (NM_001323986.2); c.118G>A, p.Val40Met (NM_001324006.1, NM_001324007.1, NM_001324008.1 and 2 more transcripts); c.364G>A, p.Val122Met (NM_001324011.1); c.214G>A, p.Val72Met (NM_001324012.1, NM_001324013.1); short protein forms V400M, V420M, V153M, V492M, V523M, V72M, V122M, V40M.
Identifiers: ClinVar variation 1775399 (VCV001775399.6), dbSNP rs2533707219, ClinGen allele CA361131721.